The following is an entry in ClinVar:

NM_005257.6(GATA6):c.1374C>T (p.Asn458=)

Gene: GATA6 (GATA binding protein 6; plus strand). Cytogenetic location: 18q11.2.
Variant type: single nucleotide variant.
Coding change: c.1374C>T on transcript NM_005257.6 (MANE Select); coding-DNA position 1374, C replaced by T.
Protein change: p.Asn458=; no amino-acid change (asparagine 458 retained).
Molecular consequence: synonymous variant.
Genome position (GRCh38, 1-based): chr18:22,181,524, C>T. VCF-style: chr18-22181524-C-T. GRCh37 (hg19) VCF-style: chr18-19761485-C-T.
Other names: c.1374C>T (NM_005257.3).
Identifiers: ClinVar variation 240127 (VCV000240127.47), dbSNP rs143026087, ClinGen allele CA8908970.

ClinVar aggregate classification (germline): Benign/Likely benign. Review status: criteria provided, multiple submitters, no conflicts (2 of 4 stars). 11 submissions from 11 submitters: Benign (2); Likely benign (6). 3 of the submissions do not count toward it. Last evaluated 2026-05-01.

Conditions:
Inborn genetic diseases. Identifiers: MedGen C0950123, MeSH D030342.
Conotruncal heart malformations (CTHM). Also called: Conotruncal heart malformations, variable. Identifiers: Orphanet 2445, Orphanet 3384, Orphanet 3426, MedGen C1857586, MONDO:0016581, OMIM 217095.
Tetralogy of Fallot (TOF). Identifiers: Orphanet 3303, MedGen C0039685, MONDO:0008542, OMIM 187500, HP:0001636.
Heart defects, congenital, and other congenital anomalies. Also called: Pancreatic hypoplasia-diabetes-congenital heart disease syndrome; PANCREATIC HYPOPLASIA, CONGENITAL, WITH DIABETES MELLITUS AND CONGENITAL HEART DISEASE. Identifiers: Orphanet 2255, MedGen C2931296, MONDO:0010802, OMIM 600001.
Atrioventricular septal defect 5 (AVSD5). Identifiers: MedGen C3280939, MONDO:0013769, OMIM 614474.
Atrial septal defect 9 (ASD9). Identifiers: Orphanet 1478, MedGen C3280943, MONDO:0013770, OMIM 614475.

Allele frequency attached by ClinVar (database versions not stated): 1000 Genomes Project 30x 0.00078; 1000 Genomes Project 0.00100; ExAC 0.00199; gnomAD exomes 0.00217 and 0.00412; TOPMed 0.00225; gnomAD 0.00230 and 0.00234; ESP Exome Variant Server 0.00254.
gnomAD v4.1: 6,344 of 1,614,158 alleles (0.39%); highest among the groups gnomAD compares: Non-Finnish European, 0.48%; 26 homozygotes.

Submissions (11):

CeGaT Center for Human Genetics Tuebingen
Classification: Likely benign. Last evaluated: 2026-05-01. Review status: criteria provided, single submitter. Criteria: CeGaT Center For Human Genetics Tuebingen Variant Classification Criteria Version 2. Collection method: clinical testing. Allele origin: germline. Affected: yes. Observed: 4 variant alleles.
Comment: GATA6: BP4, BP7, BS2

Labcorp Genetics (formerly Invitae), Labcorp
Classification: Benign for Atrioventricular septal defect 5. Last evaluated: 2026-01-21. Review status: criteria provided, single submitter. Criteria: Invitae Variant Classification Sherloc (09022015). Collection method: clinical testing. Allele origin: germline.

Blueprint Genetics
Classification: Likely benign. Last evaluated: 2024-11-21. Review status: criteria provided, single submitter. Criteria: ACMG Guidelines, 2015. Collection method: clinical testing. Allele origin: germline.

ARUP Laboratories, Molecular Genetics and Genomics, ARUP Laboratories
Classification: Benign. Last evaluated: 2023-11-01. Review status: criteria provided, single submitter. Criteria: ARUP Molecular Germline Variant Investigation Process 2024. Collection method: clinical testing. Allele origin: germline.

Ambry Genetics
Classification: Likely benign for Inborn genetic diseases. Last evaluated: 2023-06-16. Review status: criteria provided, single submitter. Criteria: Ambry Variant Classification Scheme 2023. Collection method: clinical testing. Allele origin: germline.

Fulgent Genetics
Classification: Likely benign for Tetralogy of Fallot; Conotruncal heart malformations; Heart defects, congenital, and other congenital anomalies; Atrioventricular septal defect 5; Atrial septal defect 9. Last evaluated: 2021-09-28. Review status: criteria provided, single submitter. Criteria: ACMG Guidelines, 2015. Collection method: clinical testing. Allele origin: unknown.

Genetic Services Laboratory, University of Chicago
Classification: Likely benign. Last evaluated: 2017-04-05. Review status: criteria provided, single submitter. Criteria: ACMG Guidelines, 2015. Collection method: clinical testing. Allele origin: germline. Affected: no.

Breakthrough Genomics
Classification: Likely benign. Review status: criteria provided, single submitter. Criteria: ACMG Guidelines, 2015. Collection method: not provided. Allele origin: germline. Inheritance: Autosomal dominant inheritance. Affected: yes.

Genome Diagnostics Laboratory, University Medical Center Utrecht
Classification: Benign. Review status: no assertion criteria provided. Collection method: clinical testing. Allele origin: germline. Affected: yes. Study: VKGL Data-share Consensus. Not counted in ClinVar's aggregate classification.

Joint Genome Diagnostic Labs from Nijmegen and Maastricht, Radboudumc and MUMC+
Classification: Benign. Review status: no assertion criteria provided. Collection method: clinical testing. Allele origin: germline. Affected: yes. Study: VKGL Data-share Consensus. Not counted in ClinVar's aggregate classification.

Laboratory of Diagnostic Genome Analysis, Leiden University Medical Center (LUMC)
Classification: Likely benign. Review status: no assertion criteria provided. Collection method: clinical testing. Allele origin: germline. Affected: yes. Study: VKGL Data-share Consensus. Not counted in ClinVar's aggregate classification.